The following is an entry in ClinVar:

NM_004360.5(CDH1):c.1937-11_1937-8dup

Gene: CDH1 (cadherin 1; plus strand). Cytogenetic location: 16q22.1.
Variant type: Duplication.
Coding change: c.1937-11_1937-8dup on transcript NM_004360.5 (MANE Select); 11 bases into the intron before coding-DNA position 1937 through 8 bases into the intron before coding-DNA position 1937, 4 bases duplicated (GCTT; older notation c.1937-11_1937-8dupGCTT).
Molecular consequence: intron variant.
Genome position (GRCh38, 1-based): chr16:68,823,388-68,823,391, GCTT duplicated; duplicating any 4 consecutive bases within chr16:68,823,386-68,823,391 gives the same sequence; the c. name uses the placement nearest the transcript's 3' end. VCF-style (leftmost placement, unchanged base first): chr16-68823385-A-ATTGC. GRCh37 (hg19) VCF-style: chr16-68857288-A-ATTGC.
Other names: c.1937-11_1937-8dup (LRG_301t1); c.1937-11_1937-8dupGCTT (NM_004360.3); c.389-11_389-8dup (NM_001317185.2); c.-29-11_-29-8dup (NM_001317186.2); c.1754-11_1754-8dup (NM_001317184.2).
Identifiers: ClinVar variation 420396 (VCV000420396.16), dbSNP rs751319164, ClinGen allele CA8130176.

ClinVar aggregate classification (germline): Conflicting classifications of pathogenicity. Review status: criteria provided, conflicting classifications (1 of 4 stars). 4 submissions from 4 submitters: Uncertain significance (1); Likely benign (3). Last evaluated 2025-12-21.

Conditions:
Hereditary diffuse gastric adenocarcinoma (HDGC). Also called: DIFFUSE GASTRIC AND LOBULAR BREAST CANCER SYNDROME. Identifiers: Orphanet 26106, MedGen C1708349, MONDO:0007648, OMIM 137215.
Hereditary cancer-predisposing syndrome. Also called: Tumor predisposition; Hereditary Cancer Syndrome; Hereditary neoplastic syndrome; Neoplastic Syndromes, Hereditary. Identifiers: Orphanet 140162, MedGen C0027672, MeSH D009386, MONDO:0015356.

Submissions (4):

Labcorp Genetics (formerly Invitae), Labcorp
Classification: Likely benign for Hereditary diffuse gastric adenocarcinoma. Last evaluated: 2025-12-21. Review status: criteria provided, single submitter. Criteria: Invitae Variant Classification Sherloc (09022015). Collection method: clinical testing. Allele origin: germline.

Blueprint Genetics
Classification: Likely benign. Last evaluated: 2023-08-02. Review status: criteria provided, single submitter. Criteria: ACMG Guidelines, 2015. Collection method: clinical testing. Allele origin: germline.

Color Diagnostics, LLC DBA Color Health
Classification: Uncertain significance for Hereditary cancer-predisposing syndrome. Last evaluated: 2022-09-19. Review status: criteria provided, single submitter. Criteria: ACMG Guidelines, 2015. Collection method: clinical testing. Allele origin: germline.
Comment: This variant causes a duplication of 4 nucleotides in poly-pyrimidine tract in intron 12 of the CDH1 gene. To our knowledge, functional studies have not been reported for this variant. This variant has been reported in individuals affected with lobular breast cancer and colorectal cancer (Color internal data). This variant has been identified in 7/281564 chromosomes in the general population by the Genome Aggregation Database (gnomAD). The available evidence is insufficient to determine the role of this variant in disease conclusively. Therefore, this variant is classified as a Variant of Uncertain Significance.

GeneDx
Classification: Likely benign. Last evaluated: 2016-01-25. Review status: criteria provided, single submitter. Criteria: GeneDx Variant Classification (06012015). Collection method: clinical testing. Allele origin: germline. Affected: yes.
Comment: This variant is considered likely benign or benign based on one or more of the following criteria: it is a conservative change, it occurs at a poorly conserved position in the protein, it is predicted to be benign by multiple in silico algorithms, and/or has population frequency not consistent with disease.